The following is an entry in ClinVar:

NM_000166.6(GJB1):c.276_279delinsTCAC (p.Met93His)

Gene: GJB1 (gap junction protein beta 1; plus strand). Cytogenetic location: Xq13.1.
Variant type: Indel.
Coding change: c.276_279delinsTCAC on transcript NM_000166.6 (MANE Select); coding-DNA positions 276 to 279, CATG replaced by TCAC.
Protein change: p.Met93His; replaces methionine 93 with histidine.
Molecular consequence: missense variant.
Genome position (GRCh38, 1-based): chrX:71,223,983-71,223,986, CATG replaced by TCAC. VCF-style: chrX-71223983-CATG-TCAC. GRCh37 (hg19) VCF-style: chrX-70443833-CATG-TCAC.
Other names: c.276_279delinsTCAC, p.Met93His (NM_001097642.3); c.276_279delinsTCAC (NM_000166.5); short protein forms M93H.
Identifiers: ClinVar variation 3571796 (VCV003571796.1).

ClinVar aggregate classification (germline): Uncertain significance (1 of 4 stars; one submission).

Submission:

Athena Diagnostics
Classification: Uncertain significance. Last evaluated: 2024-01-02. Review status: criteria provided, single submitter. Criteria: Athena Diagnostics Criteria. Collection method: clinical testing. Allele origin: unknown.
Comment: Available data are insufficient to determine the clinical significance of the variant at this time. This variant has been identified in at least one individual tested at Athena Diagnostics with clinical features associated with this gene. This variant has not been reported in large, multi-ethnic general populations. Computational tools predict that this variant is damaging.